The following is an entry in ClinVar:

ClinVar aggregate classification (germline): Pathogenic/Likely pathogenic. Review status: criteria provided, multiple submitters, no conflicts (2 of 4 stars). 2 submissions from 2 submitters: Pathogenic (1); Likely pathogenic (1). Last evaluated 2024-01-25.

Conditions:
Sulfite oxidase deficiency. Also called: Isolated sulfite oxidase deficiency. Identifiers: Orphanet 833, Orphanet 99731, MedGen C0268624, MONDO:0010089, OMIM 272300, HP:0003643.
SUOX-related disorder. Also called: SUOX-related condition.

Allele frequency attached by ClinVar (database versions not stated): gnomAD exomes below 0.00001.
gnomAD v4.1: 4 of 1,613,884 alleles (0.00025%); highest among the groups gnomAD compares: Non-Finnish European, 0.00034%; no homozygotes.

Submissions (2):

Labcorp Genetics (formerly Invitae), Labcorp
Classification: Pathogenic for Sulfite oxidase deficiency. Last evaluated: 2024-01-25. Review status: criteria provided, single submitter. Criteria: Invitae Variant Classification Sherloc (09022015). Collection method: clinical testing. Allele origin: germline.
Comment: This sequence change creates a premature translational stop signal (p.Gln426*) in the SUOX gene. While this is not anticipated to result in nonsense mediated decay, it is expected to disrupt the last 120 amino acid(s) of the SUOX protein. This variant is present in population databases (no rsID available, gnomAD 0.0009%). This variant has not been reported in the literature in individuals affected with SUOX-related conditions. ClinVar contains an entry for this variant (Variation ID: 2635515). This variant disrupts a region of the SUOX protein in which other variant(s) (p.Arg529*) have been determined to be pathogenic (PMID: 17940249, 28980090). This suggests that this is a clinically significant region of the protein, and that variants that disrupt it are likely to be disease-causing. For these reasons, this variant has been classified as Pathogenic.

PreventionGenetics, part of Exact Sciences
Classification: Likely pathogenic for SUOX-related condition. Last evaluated: 2022-11-03. Review status: criteria provided, single submitter. Criteria: ACMG Guidelines, 2015. Collection method: clinical testing. Allele origin: germline.
Comment: The SUOX c.1276C>T variant is predicted to result in premature protein termination (p.Gln426*). To our knowledge, this variant has not been reported in the literature. This variant is reported in 0.00088% of alleles in individuals of European (Non-Finnish) descent in gnomAD. Nonsense variants in SUOX are expected to be pathogenic. This variant is interpreted as likely pathogenic.

Literature cited by the submitters: PubMed 17940249 (cited by Labcorp Genetics (formerly Invitae), Labcorp); PubMed 28980090 (cited by Labcorp Genetics (formerly Invitae), Labcorp).

NM_001032386.2(SUOX):c.1276C>T (p.Gln426Ter)

Gene: SUOX (sulfite oxidase; plus strand). Cytogenetic location: 12q13.2.
Variant type: single nucleotide variant.
Coding change: c.1276C>T on transcript NM_001032386.2 (MANE Select); coding-DNA position 1276, C replaced by T.
Protein change: p.Gln426Ter; replaces glutamine 426 with a stop codon.
Molecular consequence: nonsense.
Genome position (GRCh38, 1-based): chr12:56,004,665, C>T. VCF-style: chr12-56004665-C-T. GRCh37 (hg19) VCF-style: chr12-56398449-C-T.
Other names: c.1276C>T, p.Gln426Ter (NM_000456.3, NM_001032387.2); short protein forms Q426*.
Identifiers: ClinVar variation 2635515 (VCV002635515.4), dbSNP rs1314125524, ClinGen allele CA385292875.